The following is an entry in ClinVar:

NM_004415.4(DSP):c.955C>T (p.Leu319=)

Gene: DSP (desmoplakin; plus strand). Cytogenetic location: 6p24.3.
Variant type: single nucleotide variant.
Coding change: c.955C>T on transcript NM_004415.4 (MANE Select); coding-DNA position 955, C replaced by T.
Protein change: p.Leu319=; no amino-acid change (leucine 319 retained).
Molecular consequence: synonymous variant.
Genome position (GRCh38, 1-based): chr6:7,566,392, C>T. VCF-style: chr6-7566392-C-T. GRCh37 (hg19) VCF-style: chr6-7566625-C-T.
Other names: c.955C>T, p.Leu319= (NM_001008844.3, NM_001319034.2).
Identifiers: ClinVar variation 1152941 (VCV001152941.10), dbSNP rs777852039, ClinGen allele CA053356.
Genomic context (GRCh38, chr6:7,566,392, plus strand): 5'-TAATGATGACTTGCTGCAAAGGATTTCTTATTTCTTCATTCACAGATACGCATGAGTCAA[C>T]TGGAAGTTAAAGAAAAAGAGCTCAATAAGCTGAAACAAGAAAGTGACCAACTTGTCCTCA-3'
Protein context (NP_004406.2, residues 309-329): QEAFSIRMSQ[Leu319=]EVKEKELNKL

ClinVar aggregate classification (germline): Likely benign. Review status: criteria provided, multiple submitters, no conflicts (2 of 4 stars). 2 submissions from 2 submitters: Likely benign (2). Last evaluated 2025-10-13.

Conditions:
Arrhythmogenic cardiomyopathy with wooly hair and keratoderma. Also called: Dilated cardiomyopathy with woolly hair and keratoderma; PALMOPLANTAR KERATODERMA WITH LEFT VENTRICULAR CARDIOMYOPATHY AND WOOLLY HAIR; Arrhythmogenic cardiomyopathy with woolly hair and keratoderma; Carvajal syndrome. Identifiers: Orphanet 65282, MedGen C1854063, MONDO:0011581, OMIM 605676.
Arrhythmogenic right ventricular dysplasia 8 (ARVD8). Also called: Arrhythmogenic Right Ventricular Dysplasia/Cardiomyopathy 8; ARRHYTHMOGENIC RIGHT VENTRICULAR DYSPLASIA, FAMILIAL, 8; ARRHYTHMOGENIC RIGHT VENTRICULAR CARDIOMYOPATHY 8. Identifiers: MedGen C1843896, MONDO:0011831, OMIM 607450.

Allele frequency attached by ClinVar (database versions not stated): gnomAD exomes below 0.00001; ExAC 0.00001; gnomAD 0.00001; TOPMed 0.00002.
gnomAD v4.1: 7 of 1,613,264 alleles (0.00043%); highest among the groups gnomAD compares: Non-Finnish European, 0.00051%; no homozygotes.

Submissions (2):

Labcorp Genetics (formerly Invitae), Labcorp
Classification: Likely benign for Arrhythmogenic cardiomyopathy with wooly hair and keratoderma; Arrhythmogenic right ventricular dysplasia 8. Last evaluated: 2025-10-13. Review status: criteria provided, single submitter. Criteria: Invitae Variant Classification Sherloc (09022015). Collection method: clinical testing. Allele origin: germline.

All of Us Research Program, National Institutes of Health
Classification: Likely benign for Arrhythmogenic cardiomyopathy with wooly hair and keratoderma. Last evaluated: 2023-05-04. Review status: criteria provided, single submitter. Criteria: ACMG Guidelines, 2015. Collection method: clinical testing. Allele origin: germline. Inheritance: Autosomal dominant inheritance. Observed: 3 variant alleles, 3 heterozygotes.
Comment: This study involves interpretation of variants in research participants for the purpose of population health screening. Participant phenotype was not available at the time of variant classification. Additional details can be found in publication PMID: 35346344, PMCID: PMC8962531